The following is an entry in ClinVar:

NM_000368.5(TSC1):c.210+1G>A

Gene: TSC1 (TSC complex subunit 1; minus strand). Cytogenetic location: 9q34.13.
Variant type: single nucleotide variant.
Coding change: c.210+1G>A on transcript NM_000368.5 (MANE Select); the canonical splice donor site of the intron after coding-DNA position 210, G replaced by A.
Molecular consequence: splice donor variant. On other transcripts: intron variant (9).
Genome position (GRCh38, 1-based): chr9:132,927,200, C>T on the plus strand (G>A on the coding strand, the complement: TSC1 is on the minus strand). VCF-style: chr9-132927200-C-T. GRCh37 (hg19) VCF-style: chr9-135802587-C-T.
Other names: c.210+1G>A (NM_001406597.1, NM_001406602.1, NM_001406606.1 and 21 more transcripts); c.-153-1461G>A (NM_001406619.1, NM_001406622.1, NM_001362177.2 and 5 more transcripts); c.-245-1461G>A (NM_001406614.1); c.-668+1G>A (NM_001406628.1, NM_001406626.1, NM_001406627.1); c.-884+1G>A (NM_001406630.1); c.-246+1G>A (NM_001406624.1, NM_001406616.1); c.-279+1G>A (NM_001406623.1, NM_001406615.1); c.-810+1G>A (NM_001406629.1).
Identifiers: ClinVar variation 48891 (VCV000048891.2), dbSNP rs118203348, ClinGen allele CA005981.

ClinVar aggregate classification (germline): Pathogenic. Review status: criteria provided, single submitter (1 of 4 stars). 2 submissions from 2 submitters: Pathogenic (1). 1 of the submissions does not count toward it. Last evaluated 2025-06-17.

Conditions:
Tuberous sclerosis syndrome (TSC). Also called: Tuberous Sclerosis Complex; Tuberous sclerosis. Identifiers: Orphanet 805, MedGen C0041341, MONDO:0001734.
Tuberous sclerosis 1 (TSC1). Identifiers: Orphanet 805, MedGen C1854465, MONDO:0008612, OMIM 191100.

Submissions (2):

Variantyx, Inc.
Classification: Pathogenic for Tuberous sclerosis 1. Last evaluated: 2025-06-17. Review status: criteria provided, single submitter. Criteria: Variantyx Assertion Criteria 2022. Collection method: clinical testing. Allele origin: germline. Inheritance: Autosomal recessive inheritance.
Comment: This is a canonical splicing variant in the TSC1 gene (OMIM: 605284). Pathogenic variants in this gene have been associated with autosomal dominant tuberous sclerosis 1. This splicing variant is expected to result in loss of function, which is a known disease mechanism for TSC1 in this disorder (PMID: 20399389) (PVS1). This variant has been reported in at least 1 affected individual (PMID: 20399389) (PS4) and is absent from control populations (PM2). Based on the current evidence, this variant is classified as pathogenic for autosomal dominant tuberous sclerosis 1.

Tuberous sclerosis database (TSC1)
No classification provided. Condition: TSC. Review status: no classification provided. Criteria: Tuberous Sclerosis Database Assertion Criteria 2015. Collection method: curation. Allele origin: germline. Affected: yes. Not counted in ClinVar's aggregate classification.

Literature cited by the submitters: PubMed 20399389 (cited by Variantyx, Inc.).